The following is an entry in ClinVar:

ClinVar aggregate classification (germline): Uncertain significance. Review status: criteria provided, multiple submitters, no conflicts (2 of 4 stars). 2 submissions from 2 submitters: Uncertain significance (2). Last evaluated 2026-01-04.

Conditions:
PAX2-Related Disorder. Also called: PAX2-related disorders. Identifiers: MedGen CN381309.
Renal coloboma syndrome (PAPRS). Also called: PAPILLORENAL SYNDROME WITH MILD OCULAR ABNORMALITIES; OPTIC COLOBOMA, VESICOURETERAL REFLUX, AND RENAL ANOMALIES; OPTIC NERVE COLOBOMA WITH RENAL DISEASE; RENAL-COLOBOMA SYNDROME WITH MACULAR ABNORMALITIES; CONGENITAL ANOMALIES OF THE KIDNEY AND URINARY TRACT WITH OR WITHOUT OCULAR ABNORMALITIES; CAKUT WITH OR WITHOUT OCULAR ABNORMALITIES. Identifiers: Orphanet 1475, MedGen C1852759, MONDO:0007352, OMIM 120330.
Focal segmental glomerulosclerosis 7 (FSGS7). Identifiers: Orphanet 656, MedGen C4014925, MONDO:0014451, OMIM 616002.

Allele frequency attached by ClinVar (database versions not stated): gnomAD exomes 0.00001; ExAC 0.00002; gnomAD 0.00003; TOPMed 0.00004; ESP Exome Variant Server 0.00008.
gnomAD v4.1: 23 of 1,613,770 alleles (0.0014%); highest among the groups gnomAD compares: African/African-American, 0.0093%; no homozygotes.

Submissions (2):

Labcorp Genetics (formerly Invitae), Labcorp
Classification: Uncertain significance for Renal coloboma syndrome; Focal segmental glomerulosclerosis 7. Last evaluated: 2026-01-04. Review status: criteria provided, single submitter. Criteria: Invitae Variant Classification Sherloc (09022015). Collection method: clinical testing. Allele origin: germline.
Comment: This sequence change replaces valine, which is neutral and non-polar, with methionine, which is neutral and non-polar, at codon 296 of the PAX2 protein (p.Val296Met). This variant is present in population databases (rs371910463, gnomAD 0.01%). This variant has not been reported in the literature in individuals affected with PAX2-related conditions. ClinVar contains an entry for this variant (Variation ID: 2141103). An algorithm developed to predict the effect of missense changes on protein structure and function (PolyPhen-2) suggests that this variant is likely to be disruptive. In summary, the available evidence is currently insufficient to determine the role of this variant in disease. Therefore, it has been classified as a Variant of Uncertain Significance.

PreventionGenetics, part of Exact Sciences
Classification: Uncertain significance for PAX2-related condition. Last evaluated: 2023-02-06. Review status: criteria provided, single submitter. Criteria: ACMG Guidelines, 2015. Collection method: clinical testing. Allele origin: germline.
Comment: The PAX2 c.955G>A variant is predicted to result in the amino acid substitution p.Val319Met. To our knowledge, this variant has not been reported in the literature. This variant is reported in 0.012% of alleles in individuals of African descent in gnomAD. At this time, the clinical significance of this variant is uncertain due to the absence of conclusive functional and genetic evidence.

NM_000278.5(PAX2):c.886G>A (p.Val296Met)

Gene: PAX2 (paired box 2; plus strand). Cytogenetic location: 10q24.31.
Variant type: single nucleotide variant.
Coding change: c.886G>A on transcript NM_000278.5 (MANE Select); coding-DNA position 886, G replaced by A.
Protein change: p.Val296Met; replaces valine 296 with methionine.
Molecular consequence: missense variant.
Genome position (GRCh38, 1-based): chr10:100,809,203, G>A. VCF-style: chr10-100809203-G-A. GRCh37 (hg19) VCF-style: chr10-102568960-G-A.
Other names: c.955G>A (NM_003987.4); c.979G>A, p.Val327Met (NM_001304569.2); c.955G>A, p.Val319Met (NM_003987.5, NM_003990.5); c.886G>A, p.Val296Met (NM_003988.5, NM_003989.5); short protein forms V296M, V319M, V327M.
Identifiers: ClinVar variation 2141103 (VCV002141103.5), dbSNP rs371910463, ClinGen allele CA5650886.